The following is an entry in ClinVar:

NM_002474.3(MYH11):c.5750T>G (p.Met1917Arg)

Genes: MYH11 (myosin heavy chain 11; minus strand), NDE1 (nudE neurodevelopment protein 1; plus strand). Cytogenetic location: 16p13.11.
Variant type: single nucleotide variant.
Coding change: c.5750T>G on transcript NM_002474.3 (MANE Select); coding-DNA position 5750, T replaced by G.
Protein change: p.Met1917Arg; replaces methionine 1917 with arginine.
Molecular consequence: missense variant. On other transcripts: intron variant (2).
Genome position (GRCh38, 1-based): chr16:15,714,945, A>C on the plus strand (T>G on the coding strand, the complement: MYH11 is on the minus strand). VCF-style: chr16-15714945-A-C. GRCh37 (hg19) VCF-style: chr16-15808802-A-C.
Other names: c.5771T>G, p.Met1924Arg (NM_001040113.2, NM_001040114.2); c.5750T>G, p.Met1917Arg (NM_022844.3); c.948-9246A>C (NM_001143979.2, NM_017668.3); short protein forms M1917R, M1924R.
Identifiers: ClinVar variation 4745858 (VCV004745858.1).

ClinVar aggregate classification (germline): Uncertain significance (1 of 4 stars; one submission).

Conditions:
Aortic aneurysm, familial thoracic 4 (AAT4). Also called: AORTIC ANEURYSM/AORTIC DISSECTION AND PATENT DUCTUS ARTERIOSUS. Identifiers: MedGen C1851504, MONDO:0007568, OMIM 132900.

Submission:

Labcorp Genetics (formerly Invitae), Labcorp
Classification: Uncertain significance for Aortic aneurysm, familial thoracic 4. Last evaluated: 2025-04-21. Review status: criteria provided, single submitter. Criteria: Invitae Variant Classification Sherloc (09022015). Collection method: clinical testing. Allele origin: germline.
Comment: This sequence change replaces methionine, which is neutral and non-polar, with arginine, which is basic and polar, at codon 1924 of the MYH11 protein (p.Met1924Arg). This variant is not present in population databases (gnomAD no frequency). This variant has not been reported in the literature in individuals affected with MYH11-related conditions. Invitae Evidence Modeling of protein sequence and biophysical properties (such as structural, functional, and spatial information, amino acid conservation, physicochemical variation, residue mobility, and thermodynamic stability) indicates that this missense variant is not expected to disrupt MYH11 protein function with a negative predictive value of 95%. In summary, the available evidence is currently insufficient to determine the role of this variant in disease. Therefore, it has been classified as a Variant of Uncertain Significance.